The following is an entry in ClinVar:

NM_024675.4(PALB2):c.2686T>C (p.Ser896Pro)

Gene: PALB2 (partner and localizer of BRCA2; minus strand). Cytogenetic location: 16p12.2.
Variant type: single nucleotide variant.
Coding change: c.2686T>C on transcript NM_024675.4 (MANE Select); coding-DNA position 2686, T replaced by C.
Protein change: p.Ser896Pro; replaces serine 896 with proline.
Molecular consequence: missense variant.
Genome position (GRCh38, 1-based): chr16:23,626,298, A>G on the plus strand (T>C on the coding strand, the complement: PALB2 is on the minus strand). VCF-style: chr16-23626298-A-G. GRCh37 (hg19) VCF-style: chr16-23637619-A-G.
Other names: short protein forms S896P.
Identifiers: ClinVar variation 922037 (VCV000922037.17), dbSNP rs1966842504, ClinGen allele CA395121993.
Genomic context (GRCh38, chr16:23,626,298, plus strand): 5'-CTGCGAAGTGCCAGGTATAAAGTTTTTCCCACTGCCAAGCATCCAGAGCTTTCCAAAGAG[A>G]AACTACATCTTCGCAAGCAGTTATGATACATGGCTCTTTACAACCGGCTCTTTCCCAAAA-3'
Protein context (NP_078951.2, residues 886-906): CIITACEDVV[Ser896Pro]LWKALDAWQW

ClinVar aggregate classification (germline): Uncertain significance. Review status: criteria provided, multiple submitters, no conflicts (2 of 4 stars). 3 submissions from 3 submitters: Uncertain significance (3). Last evaluated 2025-01-03.

Conditions:
Familial cancer of breast. Also called: BREAST CANCER, FAMILIAL; hereditary breast carcinoma; Hereditary breast cancer. Identifiers: Orphanet 227535, MedGen C0346153, MONDO:0016419, OMIM 114480. Disease mechanism: loss of function.
Hereditary cancer-predisposing syndrome. Also called: Neoplastic Syndromes, Hereditary; Tumor predisposition; Hereditary Cancer Syndrome; Hereditary neoplastic syndrome. Identifiers: Orphanet 140162, MedGen C0027672, MeSH D009386, MONDO:0015356.

Submissions (3):

Ambry Genetics
Classification: Uncertain significance for Hereditary cancer-predisposing syndrome. Last evaluated: 2025-01-03. Review status: criteria provided, single submitter. Criteria: Ambry Variant Classification Scheme 2023. Collection method: clinical testing. Allele origin: germline.
Comment: The p.S896P variant (also known as c.2686T>C), located in coding exon 7 of the PALB2 gene, results from a T to C substitution at nucleotide position 2686. The serine at codon 896 is replaced by proline, an amino acid with similar properties. This amino acid position is well conserved in available vertebrate species. In addition, this alteration is predicted to be tolerated by in silico analysis. Since supporting evidence is limited at this time, the clinical significance of this alteration remains unclear.

Color Diagnostics, LLC DBA Color Health
Classification: Uncertain significance for Hereditary cancer-predisposing syndrome. Last evaluated: 2023-12-04. Review status: criteria provided, single submitter. Criteria: ACMG Guidelines, 2015. Collection method: clinical testing. Allele origin: germline.
Comment: This missense variant replaces serine with proline at codon 896 of the PALB2 protein. Computational prediction suggests that this variant may not impact protein structure and function (internally defined REVEL score threshold <= 0.5, PMID: 27666373). To our knowledge, functional studies have not been reported for this variant. This variant has not been reported in individuals affected with PALB2-related disorders in the literature. This variant has not been identified in the general population by the Genome Aggregation Database (gnomAD). The available evidence is insufficient to determine the role of this variant in disease conclusively. Therefore, this variant is classified as a Variant of Uncertain Significance.

Labcorp Genetics (formerly Invitae), Labcorp
Classification: Uncertain significance for Familial cancer of breast. Last evaluated: 2020-07-08. Review status: criteria provided, single submitter. Criteria: Invitae Variant Classification Sherloc (09022015). Collection method: clinical testing. Allele origin: germline.
Comment: This variant has not been reported in the literature in individuals with PALB2-related conditions. This sequence change replaces serine with proline at codon 896 of the PALB2 protein (p.Ser896Pro). The serine residue is highly conserved and there is a moderate physicochemical difference between serine and proline. This variant is not present in population databases (ExAC no frequency). Algorithms developed to predict the effect of missense changes on protein structure and function are either unavailable or do not agree on the potential impact of this missense change (SIFT: "Tolerated"; PolyPhen-2: "Probably Damaging"; Align-GVGD: "Class C0"). In summary, the available evidence is currently insufficient to determine the role of this variant in disease. Therefore, it has been classified as a Variant of Uncertain Significance.